The following is an entry in ClinVar:

ClinVar aggregate classification (germline): Uncertain significance (1 of 4 stars; one submission).

Conditions:
Congenital contractural arachnodactyly (CCA). Also called: BEALS SYNDROME; Arthrogryposis, distal, type 9; Beals-Hecht syndrome. Identifiers: Orphanet 115, MedGen C0220668, MONDO:0007363, OMIM 121050.

Allele frequency attached by ClinVar (database versions not stated): gnomAD exomes below 0.00001; TOPMed below 0.00001.
gnomAD v4.1: 1 of 1,613,182 alleles (0.000062%); highest among the groups gnomAD compares: Non-Finnish European, 0.000085%; no homozygotes.

Submission:

Labcorp Genetics (formerly Invitae), Labcorp
Classification: Uncertain significance for Congenital contractural arachnodactyly. Last evaluated: 2024-10-12. Review status: criteria provided, single submitter. Criteria: Invitae Variant Classification Sherloc (09022015). Collection method: clinical testing. Allele origin: germline.
Comment: This sequence change replaces aspartic acid, which is acidic and polar, with tyrosine, which is neutral and polar, at codon 548 of the FBN2 protein (p.Asp548Tyr). This variant is not present in population databases (gnomAD no frequency). This variant has not been reported in the literature in individuals affected with FBN2-related conditions. ClinVar contains an entry for this variant (Variation ID: 646285). Invitae Evidence Modeling of protein sequence and biophysical properties (such as structural, functional, and spatial information, amino acid conservation, physicochemical variation, residue mobility, and thermodynamic stability) indicates that this missense variant is not expected to disrupt FBN2 protein function with a negative predictive value of 80%. In summary, the available evidence is currently insufficient to determine the role of this variant in disease. Therefore, it has been classified as a Variant of Uncertain Significance.

NM_001999.4(FBN2):c.1642G>T (p.Asp548Tyr)

Gene: FBN2 (fibrillin 2; minus strand). Cytogenetic location: 5q23.3.
Variant type: single nucleotide variant.
Coding change: c.1642G>T on transcript NM_001999.4 (MANE Select); coding-DNA position 1642, G replaced by T.
Protein change: p.Asp548Tyr; replaces aspartic acid 548 with tyrosine.
Molecular consequence: missense variant.
Genome position (GRCh38, 1-based): chr5:128,378,852, C>A on the plus strand (G>T on the coding strand, the complement: FBN2 is on the minus strand). VCF-style: chr5-128378852-C-A. GRCh37 (hg19) VCF-style: chr5-127714545-C-A.
Other names: short protein forms D548Y.
Identifiers: ClinVar variation 646285 (VCV000646285.9), dbSNP rs1581251809, ClinGen allele CA360743835.